The following is an entry in ClinVar:

NM_001384474.1(LOXHD1):c.4281T>G (p.Ile1427Met)

Gene: LOXHD1 (lipoxygenase homology PLAT domains 1; minus strand). Cytogenetic location: 18q21.1.
Variant type: single nucleotide variant.
Coding change: c.4281T>G on transcript NM_001384474.1 (MANE Select); coding-DNA position 4281, T replaced by G.
Protein change: p.Ile1427Met; replaces isoleucine 1427 with methionine.
Molecular consequence: missense variant.
Genome position (GRCh38, 1-based): chr18:46,533,256, A>C on the plus strand (T>G on the coding strand, the complement: LOXHD1 is on the minus strand). VCF-style: chr18-46533256-A-C. GRCh37 (hg19) VCF-style: chr18-44113219-A-C.
Other names: c.948T>G, p.Ile316Met (NM_001145472.3); c.660T>G, p.Ile220Met (NM_001308013.2); c.4281T>G, p.Ile1427Met (NM_144612.7); short protein forms I1427M, I220M, I316M.
Identifiers: ClinVar variation 163907 (VCV000163907.6), dbSNP rs727503140, ClinGen allele CA176624.

ClinVar aggregate classification (germline): Uncertain significance. Review status: criteria provided, multiple submitters, no conflicts (2 of 4 stars). 3 submissions from 3 submitters: Uncertain significance (2). 1 of the submissions does not count toward it. Last evaluated 2025-10-18.

Conditions:
Inborn genetic diseases. Identifiers: MedGen C0950123, MeSH D030342.
Autosomal recessive nonsyndromic hearing loss 77. Identifiers: Orphanet 90636, MedGen C2746083, MONDO:0013119, OMIM 613079.

Allele frequency attached by ClinVar (database versions not stated): gnomAD exomes below 0.00001 and 0.00001; gnomAD 0.00001; TOPMed 0.00001.
gnomAD v4.1: 2 of 1,551,608 alleles (0.00013%); highest among the groups gnomAD compares: African/African-American, 0.0027%; no homozygotes.

Submissions (3):

Ambry Genetics
Classification: Uncertain significance for Inborn genetic diseases. Last evaluated: 2025-10-18. Review status: criteria provided, single submitter. Criteria: Ambry Variant Classification Scheme 2023. Collection method: clinical testing. Allele origin: germline.

Laboratory for Molecular Medicine, Mass General Brigham Personalized Medicine
Classification: Uncertain significance. Last evaluated: 2014-05-20. Review status: criteria provided, single submitter. Criteria: LMM Criteria. Collection method: clinical testing. Allele origin: germline. Observed: 1 variant allele.
Comment: The Ile1427Met variant in LOXHD1 has not been reported in individuals with heari ng loss and was absent from large population studies. The isoleucine (Ile) at po sition 1427 is conserved in mammals, but not in birds or evolutionarily distant species, with lizard having methionine (Met). This raises the possibility that a change at this position may be tolerated. Other computational prediction tools do not provide strong support for or against an impact to the protein. In summar y, the clinical significance of the Ile1427Met variant is uncertain.

Natera, Inc.
Classification: Uncertain significance for Autosomal recessive deafness type 77. Last evaluated: 2019-10-28. Review status: no assertion criteria provided. Collection method: clinical testing. Allele origin: germline. Not counted in ClinVar's aggregate classification.